The following is an entry in ClinVar:

ClinVar aggregate classification (germline): Uncertain significance (1 of 4 stars; one submission).

Conditions:
Bethlem myopathy 1A. Also called: MYOPATHY, BENIGN CONGENITAL, WITH CONTRACTURES; Bethlem myopathy 1; Bethlem Muscular Dystrophy. Identifiers: Orphanet 610, MedGen CN029274, MONDO:0024530, OMIM 158810.

Submission:

Labcorp Genetics (formerly Invitae), Labcorp
Classification: Uncertain significance for Bethlem myopathy 1A. Last evaluated: 2025-11-01. Review status: criteria provided, single submitter. Criteria: Invitae Variant Classification Sherloc (09022015). Collection method: clinical testing. Allele origin: germline.
Comment: This sequence change replaces glycine, which is neutral and non-polar, with serine, which is neutral and polar, at codon 2745 of the COL6A3 protein (p.Gly2745Ser). This variant is not present in population databases (gnomAD no frequency). This variant has not been reported in the literature in individuals affected with COL6A3-related conditions. Invitae Evidence Modeling of protein sequence and biophysical properties (such as structural, functional, and spatial information, amino acid conservation, physicochemical variation, residue mobility, and thermodynamic stability) indicates that this missense variant is expected to disrupt COL6A3 protein function with a positive predictive value of 80%. In summary, the available evidence is currently insufficient to determine the role of this variant in disease. Therefore, it has been classified as a Variant of Uncertain Significance.

NM_004369.4(COL6A3):c.8233G>A (p.Gly2745Ser)

Gene: COL6A3 (collagen type VI alpha 3 chain; minus strand). Cytogenetic location: 2q37.3.
Variant type: single nucleotide variant.
Coding change: c.8233G>A on transcript NM_004369.4 (MANE Select); coding-DNA position 8233, G replaced by A.
Protein change: p.Gly2745Ser; replaces glycine 2745 with serine.
Molecular consequence: missense variant.
Genome position (GRCh38, 1-based): chr2:237,340,683, C>T on the plus strand (G>A on the coding strand, the complement: COL6A3 is on the minus strand). VCF-style: chr2-237340683-C-T. GRCh37 (hg19) VCF-style: chr2-238249326-C-T.
Other names: c.6412G>A, p.Gly2138Ser (NM_057166.5); c.7615G>A, p.Gly2539Ser (NM_057167.4); short protein forms G2745S, G2138S, G2539S.
Identifiers: ClinVar variation 4703168 (VCV004703168.1).
Genomic context (GRCh38, chr2:237,340,683, plus strand): 5'-TGCATTTGGCCTGCAGGATGACTCTCTGGGCCTCCTCCAGCTGCTGCTCCGGCACCTCGC[C>T]CGTCAGCATCAGGACCACAATTTTCAGGTCCCGTGGGTTTGGGGCACTTTCAAAGACATT-3'
Protein context (NP_004360.2, residues 2735-2755): DLKIVVLMLT[Gly2745Ser]EVPEQQLEEA